The following is an entry in ClinVar:

NM_005732.4(RAD50):c.274G>C (p.Glu92Gln)

Gene: RAD50 (RAD50 double strand break repair protein; plus strand). Cytogenetic location: 5q31.1.
Variant type: single nucleotide variant.
Coding change: c.274G>C on transcript NM_005732.4 (MANE Select); coding-DNA position 274, G replaced by C.
Protein change: p.Glu92Gln; replaces glutamic acid 92 with glutamine.
Molecular consequence: missense variant.
Genome position (GRCh38, 1-based): chr5:132,575,837, G>C. VCF-style: chr5-132575837-G-C. GRCh37 (hg19) VCF-style: chr5-131911529-G-C.
Other names: c.274G>C (NM_005732.3); short protein forms E92Q.
Identifiers: ClinVar variation 1007604 (VCV001007604.10), dbSNP rs1692428770, ClinGen allele CA360930752.

ClinVar aggregate classification (germline): Uncertain significance. Review status: criteria provided, multiple submitters, no conflicts (2 of 4 stars). 2 submissions from 2 submitters: Uncertain significance (2). Last evaluated 2024-06-13.

Conditions:
Hereditary cancer-predisposing syndrome. Also called: Tumor predisposition; Hereditary neoplastic syndrome; Neoplastic Syndromes, Hereditary; Hereditary Cancer Syndrome. Identifiers: Orphanet 140162, MedGen C0027672, MeSH D009386, MONDO:0015356.

Allele frequency attached by ClinVar (database versions not stated): TOPMed below 0.00001.

Submissions (2):

Ambry Genetics
Classification: Uncertain significance for Hereditary cancer-predisposing syndrome. Last evaluated: 2024-06-13. Review status: criteria provided, single submitter. Criteria: Ambry Variant Classification Scheme 2023. Collection method: clinical testing. Allele origin: germline.
Comment: The p.E92Q variant (also known as c.274G>C), located in coding exon 3 of the RAD50 gene, results from a G to C substitution at nucleotide position 274. The glutamic acid at codon 92 is replaced by glutamine, an amino acid with highly similar properties. This amino acid position is conserved. In addition, this alteration is predicted to be tolerated by in silico analysis. Based on the available evidence, the clinical significance of this variant remains unclear.

Labcorp Genetics (formerly Invitae), Labcorp
Classification: Uncertain significance for Hereditary cancer-predisposing syndrome. Last evaluated: 2022-03-27. Review status: criteria provided, single submitter. Criteria: Invitae Variant Classification Sherloc (09022015). Collection method: clinical testing. Allele origin: germline.
Comment: Algorithms developed to predict the effect of missense changes on protein structure and function (SIFT, PolyPhen-2, Align-GVGD) all suggest that this variant is likely to be tolerated. In summary, the available evidence is currently insufficient to determine the role of this variant in disease. Therefore, it has been classified as a Variant of Uncertain Significance. ClinVar contains an entry for this variant (Variation ID: 1007604). This variant has not been reported in the literature in individuals affected with RAD50-related conditions. This variant is not present in population databases (gnomAD no frequency). This sequence change replaces glutamic acid, which is acidic and polar, with glutamine, which is neutral and polar, at codon 92 of the RAD50 protein (p.Glu92Gln).